The following is an entry in ClinVar:

NM_024652.6(LRRK1):c.1533A>C (p.Lys511Asn)

Genes: LRRK1 (leucine rich repeat kinase 1; plus strand), LOC125146368 (Sharpr-MPRA regulatory region 13394; plus strand). Cytogenetic location: 15q26.3.
Variant type: single nucleotide variant.
Coding change: c.1533A>C on transcript NM_024652.6 (MANE Select); coding-DNA position 1533, A replaced by C.
Protein change: p.Lys511Asn; replaces lysine 511 with asparagine.
Molecular consequence: missense variant.
Genome position (GRCh38, 1-based): chr15:101,015,326, A>C. VCF-style: chr15-101015326-A-C. GRCh37 (hg19) VCF-style: chr15-101555531-A-C.
Other names: short protein forms K511N.
Identifiers: ClinVar variation 1422136 (VCV001422136.8), dbSNP rs770937949, ClinGen allele CA7760927.

ClinVar aggregate classification (germline): Uncertain significance (1 of 4 stars; one submission).

Allele frequency attached by ClinVar (database versions not stated): gnomAD 0.00001; gnomAD exomes 0.00003 and 0.00006; ExAC 0.00009.
gnomAD v4.1: 51 of 1,613,434 alleles (0.0032%); highest among the groups gnomAD compares: South Asian, 0.053%; no homozygotes.

Submission:

Labcorp Genetics (formerly Invitae), Labcorp
Classification: Uncertain significance. Last evaluated: 2024-02-24. Review status: criteria provided, single submitter. Criteria: Invitae Variant Classification Sherloc (09022015). Collection method: clinical testing. Allele origin: germline.
Comment: This sequence change replaces lysine, which is basic and polar, with asparagine, which is neutral and polar, at codon 511 of the LRRK1 protein (p.Lys511Asn). This variant is present in population databases (rs770937949, gnomAD 0.05%). This variant has not been reported in the literature in individuals affected with LRRK1-related conditions. ClinVar contains an entry for this variant (Variation ID: 1422136). An algorithm developed to predict the effect of missense changes on protein structure and function (PolyPhen-2) suggests that this variant is likely to be tolerated. In summary, the available evidence is currently insufficient to determine the role of this variant in disease. Therefore, it has been classified as a Variant of Uncertain Significance.